The following is an entry in ClinVar:

ClinVar aggregate classification (germline): Uncertain significance. Review status: reviewed by expert panel (3 of 4 stars). 2 submissions from 2 submitters: Uncertain significance (1). 1 of the submissions does not count toward it. Last evaluated 2025-09-26.

Conditions:
Monogenic diabetes. Identifiers: Orphanet 183625, MedGen C3888631, MONDO:0015967.
Diabetes mellitus type 1 (T1D). Also called: Diabetes Mellitus, Juvenile-Onset; Type I diabetes mellitus. Identifiers: MedGen C0011854, MONDO:0005147, OMIM 222100, HP:0100651.
Hepatic adenomas, familial. Also called: LIVER CELL ADENOMAS, FAMILIAL; HEPATIC ADENOMA, SOMATIC. Identifiers: MedGen C1840646, MONDO:0007718, OMIM 142330.
Type 1 diabetes mellitus 20 (T1D20). Also called: Diabetes mellitus, insulin-dependent, 20. Identifiers: MedGen C2675866, MONDO:0012919, OMIM 612520.
Nonpapillary renal cell carcinoma. Identifiers: Orphanet 422526, MedGen CN074294, MONDO:0007763, OMIM 144700.
Maturity-onset diabetes of the young type 3. Also called: MODY type 3; MODY, type III. Identifiers: Orphanet 552, MedGen C1838100, MeSH C563933, MONDO:0010894, OMIM 600496. Disease mechanism: loss of function.
Type 2 diabetes mellitus. Also called: Type II diabetes mellitus. Identifiers: MedGen C0011860, MeSH D003924, MONDO:0005148, OMIM 125853, HP:0005978.

Allele frequency attached by ClinVar (database versions not stated): ExAC 0.00001; gnomAD 0.00001; gnomAD exomes 0.00002 and 0.00003; TOPMed 0.00002; ESP Exome Variant Server 0.00008.
gnomAD v4.1: 48 of 1,613,296 alleles (0.003%); highest among the groups gnomAD compares: Non-Finnish European, 0.0041%; no homozygotes.

Submissions (2):

ClinGen Monogenic Diabetes Variant Curation Expert Panel
Classification: Uncertain significance for Monogenic diabetes. Last evaluated: 2025-09-26. Review status: reviewed by expert panel. Criteria: ClinGen Diabetes ACMG Specifications HNF1A V3.0.0. Collection method: curation. Allele origin: germline. Inheritance: Autosomal dominant inheritance.
Comment: The c.1778G>C variant in the HNF1 homeobox A gene, HNF1A, causes an amino acid change of serine to threonine at codon 593 (p.(Ser593Thr)) of NM_000545.8. The Grpmax filtering allele frequency of the c.1778G>C variant in gnomAD v4.1.0 is 0.00003549, which falls between ClinGen MDEP-established cutoffs for PM2_Supporting and BS1; thus, neither criterion will be applied. Additionally, this variant has a REVEL score of 0.3129, which is between the ClinGen MDEP thresholds, predicting neither a damaging nor benign impact on HNF1A function. In summary, c.1778G>A meets the criteria to be classified as variant of uncertain significance for monogenic diabetes. ACMG/AMP criteria applied, as specified by the ClinGen MDEP (specification version 3.0.0, approved 6/30/2025): None.

Fulgent Genetics
Classification: Uncertain significance for Type 2 diabetes mellitus; Hepatic adenomas, familial; Nonpapillary renal cell carcinoma; Diabetes mellitus type 1; Maturity-onset diabetes of the young type 3; Type 1 diabetes mellitus 20. Last evaluated: 2021-10-20. Review status: criteria provided, single submitter. Criteria: ACMG Guidelines, 2015. Collection method: clinical testing. Allele origin: unknown. Not counted in ClinVar's aggregate classification.

NM_000545.8(HNF1A):c.1778G>C (p.Ser593Thr)

Genes: C12orf43 (chromosome 12 open reading frame 43; minus strand), HNF1A (HNF1 homeobox A; plus strand). Cytogenetic location: 12q24.31.
Variant type: single nucleotide variant.
Coding change: c.1778G>C on transcript NM_000545.8 (MANE Select); coding-DNA position 1778, G replaced by C.
Protein change: p.Ser593Thr; replaces serine 593 with threonine.
Molecular consequence: missense variant. On other transcripts: 3 prime UTR variant (3).
Genome position (GRCh38, 1-based): chr12:121,001,074, G>C. VCF-style: chr12-121001074-G-C. GRCh37 (hg19) VCF-style: chr12-121438877-G-C.
Other names: NM_022895.3:c.*3079C>G; NM_000545.8(HNF1A):c.1778G>C; p.Ser593Thr; c.*3079C>G (NM_001286191.2, NM_001286196.2, NM_022895.3); c.1799G>C, p.Ser600Thr (NM_001306179.2); c.1586G>C, p.Ser529Thr (NM_001406915.1); short protein forms S593T, S600T, S529T.
Identifiers: ClinVar variation 1687085 (VCV001687085.5), dbSNP rs200120574, ClinGen allele CA6832194.